The following is an entry in ClinVar:

ClinVar aggregate classification (germline): Likely pathogenic (1 of 4 stars; one submission).

Conditions:
Cystic fibrosis (CF). Also called: MUCOVISCIDOSIS. Identifiers: Orphanet 586, MedGen C0010674, MONDO:0009061, OMIM 219700. Disease mechanism: loss of function.

Submission:

Department of Medical Genetics, Ordu University Medical School Training and Research Hospital
Classification: Likely pathogenic for Cystic fibrosis. Last evaluated: 2026-07-30. Review status: criteria provided, single submitter. Criteria: ACMG/ClinGen CNV Guidelines, 2019. Collection method: clinical testing. Allele origin: de novo. Affected: yes. Observed: 1 variant allele.
Comment: Heterozygous duplication of CFTR exon 23 detected by MLPA (SALSA Probemix P091). Breakpoints are not resolved by MLPA: the inner coordinates correspond to exon 23 of NM_000492.4 and the outer coordinates to the flanking probes in exons 22 and 24, which showed normal dosage. Exon 23 is 156 bp, so a tandem duplication would insert 52 residues in frame rather than shift the reading frame; the orientation and insertion point of the duplicated segment were not confirmed by MLPA. Loss of function is the established disease mechanism for CFTR in cystic fibrosis. Scored using the ACMG/ClinGen technical standard for copy-number variant interpretation.

GRCh38/hg38 7q31.2(chr7:117642438-117642593)x3

Genes: CFTR (CF transmembrane conductance regulator; plus strand), CFTR-AS2 (CFTR antisense RNA 2; minus strand), LOC111674467 (CFTR intron 20 enhancer; plus strand), LOC113633877 (CFTR intron 19 DNase I hypersensitive site; plus strand), LOC126860160 (MED14-independent group 3 enhancer GRCh37_chr7:117270281-117271480; plus strand). Cytogenetic location: 7q31.2.
Variant type: copy number gain.
Change: copy number 3 (three copies instead of two) of chr7:117,642,438-117,642,593 (0.2 kb, GRCh38 coordinates, 1-based), cytogenetic band 7q31.2.
Identifiers: ClinVar variation 4880500 (VCV004880500.1).